The following is an entry in ClinVar:

NM_001103.4(ACTN2):c.409A>G (p.Ile137Val)

Gene: ACTN2 (actinin alpha 2; plus strand). Cytogenetic location: 1q43.
Variant type: single nucleotide variant.
Coding change: c.409A>G on transcript NM_001103.4 (MANE Select); coding-DNA position 409, A replaced by G.
Protein change: p.Ile137Val; replaces isoleucine 137 with valine.
Molecular consequence: missense variant. On other transcripts: non-coding transcript variant (1).
Genome position (GRCh38, 1-based): chr1:236,720,152, A>G. VCF-style: chr1-236720152-A-G. GRCh37 (hg19) VCF-style: chr1-236883452-A-G.
Other names: c.409A>G, p.Ile137Val (NM_001278343.2); short protein forms I137V.
Identifiers: ClinVar variation 4867465 (VCV004867465.1).

ClinVar aggregate classification (germline): Uncertain significance (1 of 4 stars; one submission).

Conditions:
Cardiovascular phenotype. Identifiers: MedGen CN230736.

Submission:

Ambry Genetics
Classification: Uncertain significance for Cardiovascular phenotype. Last evaluated: 2026-06-12. Review status: criteria provided, single submitter. Criteria: Ambry Variant Classification Scheme 2023. Collection method: clinical testing. Allele origin: germline.
Comment: The p.I137V variant (also known as c.409A>G), located in coding exon 4 of the ACTN2 gene, results from an A to G substitution at nucleotide position 409. The isoleucine at codon 137 is replaced by valine, an amino acid with highly similar properties. This amino acid position is conserved. In addition, the in silico prediction for this alteration is inconclusive. Based on the available evidence, the clinical significance of this variant remains unclear.